The following is an entry in ClinVar:

ClinVar aggregate classification (germline): Uncertain significance (0 of 4 stars; one submission).

Conditions:
TBX3-related disorder. Also called: TBX3-related condition.

gnomAD v4.1: 7 of 1,614,192 alleles (0.00043%); highest among the groups gnomAD compares: Admixed American, 0.0017%; no homozygotes.

Submission:

PreventionGenetics, part of Exact Sciences
Classification: Uncertain significance for TBX3-related condition. Last evaluated: 2024-08-22. Review status: no assertion criteria provided. Collection method: clinical testing. Allele origin: germline.
Comment: The TBX3 c.254C>T variant is predicted to result in the amino acid substitution p.Ala85Val. To our knowledge, this variant has not been reported in the literature. This variant is reported in 0.0029% of alleles in individuals of Latino descent in gnomAD. At this time, the clinical significance of this variant is uncertain due to the absence of conclusive functional and genetic evidence.

NM_005996.4(TBX3):c.254C>T (p.Ala85Val)

Genes: TBX3 (T-box transcription factor 3; minus strand), TBX3-AS1 (TBX3 antisense RNA 1; plus strand). Cytogenetic location: 12q24.21.
Variant type: single nucleotide variant.
Coding change: c.254C>T on transcript NM_005996.4 (MANE Select); coding-DNA position 254, C replaced by T.
Protein change: p.Ala85Val; replaces alanine 85 with valine.
Molecular consequence: missense variant.
Genome position (GRCh38, 1-based): chr12:114,682,947, G>A on the plus strand (C>T on the coding strand, the complement: TBX3 is on the minus strand). VCF-style: chr12-114682947-G-A. GRCh37 (hg19) VCF-style: chr12-115120752-G-A.
Other names: c.254C>T, p.Ala85Val (NM_016569.4); short protein forms A85V.
Identifiers: ClinVar variation 3352610 (VCV003352610.1).